The following is an entry in ClinVar:

NM_020778.5(ALPK3):c.1412C>T (p.Thr471Ile)

Gene: ALPK3 (alpha kinase 3; plus strand). Cytogenetic location: 15q25.3.
Variant type: single nucleotide variant.
Coding change: c.1412C>T on transcript NM_020778.5 (MANE Select); coding-DNA position 1412, C replaced by T.
Protein change: p.Thr471Ile; replaces threonine 471 with isoleucine.
Molecular consequence: missense variant.
Genome position (GRCh38, 1-based): chr15:84,840,691, C>T. VCF-style: chr15-84840691-C-T. GRCh37 (hg19) VCF-style: chr15-85383922-C-T.
Other names: short protein forms T471I.
Identifiers: ClinVar variation 1326047 (VCV001326047.15), dbSNP rs143709902, ClinGen allele CA7709184.

ClinVar aggregate classification (germline): Conflicting classifications of pathogenicity. Review status: criteria provided, conflicting classifications (1 of 4 stars). 4 submissions from 4 submitters: Uncertain significance (3); Likely benign (1). Last evaluated 2026-03-03.

Conditions:
ALPK3-related disorder. Also called: ALPK3-related condition.
Cardiovascular phenotype. Identifiers: MedGen CN230736.

Allele frequency attached by ClinVar (database versions not stated): gnomAD exomes 0.00005; ExAC 0.00008; 1000 Genomes Project 30x 0.00016; 1000 Genomes Project 0.00020; TOPMed 0.00020; gnomAD 0.00021 and 0.00024; ESP Exome Variant Server 0.00023.
gnomAD v4.1: 67 of 1,606,330 alleles (0.0042%); highest among the groups gnomAD compares: African/African-American, 0.066%; no homozygotes.

Submissions (4):

PreventionGenetics, part of Exact Sciences
Classification: Uncertain significance for ALPK3-related condition. Last evaluated: 2026-03-03. Review status: criteria provided, single submitter. Criteria: ACMG Guidelines, 2015. Collection method: clinical testing. Allele origin: germline.
Comment: The ALPK3 c.2018C>T variant is predicted to result in the amino acid substitution p.Thr673Ile. To our knowledge, this variant has not been reported in the literature. This variant is reported in 0.080% of alleles in individuals of African descent in gnomAD. Although we suspect that this variant may be benign, at this time, the clinical significance of this variant is uncertain due to the absence of conclusive functional and genetic evidence.

Labcorp Genetics (formerly Invitae), Labcorp
Classification: Uncertain significance. Last evaluated: 2026-01-06. Review status: criteria provided, single submitter. Criteria: Invitae Variant Classification Sherloc (09022015). Collection method: clinical testing. Allele origin: germline.
Comment: This sequence change replaces threonine, which is neutral and polar, with isoleucine, which is neutral and non-polar, at codon 673 of the ALPK3 protein (p.Thr673Ile). This variant is present in population databases (rs143709902, gnomAD 0.09%). This variant has not been reported in the literature in individuals affected with ALPK3-related conditions. ClinVar contains an entry for this variant (Variation ID: 1326047). Invitae Evidence Modeling of protein sequence and biophysical properties (such as structural, functional, and spatial information, amino acid conservation, physicochemical variation, residue mobility, and thermodynamic stability) indicates that this missense variant is not expected to disrupt ALPK3 protein function with a negative predictive value of 80%. In summary, the available evidence is currently insufficient to determine the role of this variant in disease. Therefore, it has been classified as a Variant of Uncertain Significance.

GeneDx
Classification: Uncertain significance. Last evaluated: 2025-09-11. Review status: criteria provided, single submitter. Criteria: GeneDx Variant Classification Process June 2021. Collection method: clinical testing. Allele origin: germline. Affected: yes.
Comment: Has not been previously published as pathogenic or benign to our knowledge; In silico analysis suggests that this missense variant does not alter protein structure/function

Ambry Genetics
Classification: Likely benign for Cardiovascular phenotype. Last evaluated: 2024-12-04. Review status: criteria provided, single submitter. Criteria: Ambry Variant Classification Scheme 2023. Collection method: clinical testing. Allele origin: germline.